The following is an entry in ClinVar:

ClinVar aggregate classification (germline): Uncertain significance. Review status: criteria provided, multiple submitters, no conflicts (2 of 4 stars). 2 submissions from 2 submitters: Uncertain significance (2). Last evaluated 2024-07-27.

Conditions:
Inborn genetic diseases. Identifiers: MedGen C0950123, MeSH D030342.

Allele frequency attached by ClinVar (database versions not stated): gnomAD 0.00003; gnomAD exomes 0.00005; ExAC 0.00007; TOPMed 0.00008; 1000 Genomes Project 0.00040; 1000 Genomes Project 30x 0.00047.
gnomAD v4.1: 75 of 1,613,868 alleles (0.0046%); highest among the groups gnomAD compares: East Asian, 0.018%; no homozygotes.

Submissions (2):

Ambry Genetics
Classification: Uncertain significance for Inborn genetic diseases. Last evaluated: 2024-07-27. Review status: criteria provided, single submitter. Criteria: Ambry Variant Classification Scheme 2023. Collection method: clinical testing. Allele origin: germline.

Labcorp Genetics (formerly Invitae), Labcorp
Classification: Uncertain significance. Last evaluated: 2022-04-08. Review status: criteria provided, single submitter. Criteria: Invitae Variant Classification Sherloc (09022015). Collection method: clinical testing. Allele origin: germline.
Comment: This sequence change replaces glycine, which is neutral and non-polar, with serine, which is neutral and polar, at codon 504 of the KRT6C protein (p.Gly504Ser). This variant is present in population databases (rs548540602, gnomAD 0.02%). This variant has not been reported in the literature in individuals affected with KRT6C-related conditions. Advanced modeling of protein sequence and biophysical properties (such as structural, functional, and spatial information, amino acid conservation, physicochemical variation, residue mobility, and thermodynamic stability) performed at Invitae indicates that this missense variant is not expected to disrupt KRT6C protein function. In summary, the available evidence is currently insufficient to determine the role of this variant in disease. Therefore, it has been classified as a Variant of Uncertain Significance.

NM_173086.5(KRT6C):c.1510G>A (p.Gly504Ser)

Gene: KRT6C (keratin 6C; minus strand). Cytogenetic location: 12q13.13.
Variant type: single nucleotide variant.
Coding change: c.1510G>A on transcript NM_173086.5 (MANE Select); coding-DNA position 1510, G replaced by A.
Protein change: p.Gly504Ser; replaces glycine 504 with serine.
Molecular consequence: missense variant.
Genome position (GRCh38, 1-based): chr12:52,469,247, C>T on the plus strand (G>A on the coding strand, the complement: KRT6C is on the minus strand). VCF-style: chr12-52469247-C-T. GRCh37 (hg19) VCF-style: chr12-52863031-C-T.
Other names: c.1510G>A (NM_173086.4); short protein forms G504S.
Identifiers: ClinVar variation 2143110 (VCV002143110.5), dbSNP rs548540602, ClinGen allele CA6581044.